The following is an entry in ClinVar:

ClinVar aggregate classification (germline): Likely benign (1 of 4 stars; one submission).

Allele frequency attached by ClinVar (database versions not stated): ExAC 0.00001; 1000 Genomes Project 30x 0.00016; 1000 Genomes Project 0.00020.
gnomAD v4.1: 25 of 1,614,034 alleles (0.0015%); highest among the groups gnomAD compares: Middle Eastern, 0.016%; no homozygotes.

Submission:

CeGaT Center for Human Genetics Tuebingen
Classification: Likely benign. Last evaluated: 2022-11-01. Review status: criteria provided, single submitter. Criteria: CeGaT Center For Human Genetics Tuebingen Variant Classification Criteria Version 2. Collection method: clinical testing. Allele origin: germline. Affected: yes. Observed: 1 variant allele.
Comment: PPRC1: BP4, BP7

NM_015062.5(PPRC1):c.4059G>A (p.Pro1353=)

Gene: PPRC1 (PPARG related coactivator 1; plus strand). Cytogenetic location: 10q24.32.
Variant type: single nucleotide variant.
Coding change: c.4059G>A on transcript NM_015062.5 (MANE Select); coding-DNA position 4059, G replaced by A.
Protein change: p.Pro1353=; no amino-acid change (proline 1353 retained).
Molecular consequence: synonymous variant. On other transcripts: intron variant (1).
Genome position (GRCh38, 1-based): chr10:102,147,051, G>A. VCF-style: chr10-102147051-G-A. GRCh37 (hg19) VCF-style: chr10-103906808-G-A.
Other names: c.3699G>A, p.Pro1233= (NM_001288728.2); c.3609-1321G>A (NM_001288727.2).
Identifiers: ClinVar variation 2640783 (VCV002640783.24), dbSNP rs529047644, ClinGen allele CA5661433.